The following is an entry in ClinVar:

NM_002474.3(MYH11):c.4595A>C (p.Lys1532Thr)

Genes: MYH11 (myosin heavy chain 11; minus strand), NDE1 (nudE neurodevelopment protein 1; plus strand). Cytogenetic location: 16p13.11.
Variant type: single nucleotide variant.
Coding change: c.4595A>C on transcript NM_002474.3 (MANE Select); coding-DNA position 4595, A replaced by C.
Protein change: p.Lys1532Thr; replaces lysine 1532 with threonine.
Molecular consequence: missense variant. On other transcripts: intron variant (2).
Genome position (GRCh38, 1-based): chr16:15,721,035, T>G on the plus strand (A>C on the coding strand, the complement: MYH11 is on the minus strand). VCF-style: chr16-15721035-T-G. GRCh37 (hg19) VCF-style: chr16-15814892-T-G.
Other names: c.4595A>C (NM_002474.2); c.4616A>C (NM_001040113.1); c.4616A>C, p.Lys1539Thr (NM_001040113.2, NM_001040114.2); c.4595A>C, p.Lys1532Thr (NM_022844.3); c.948-3156T>G (NM_001143979.2, NM_017668.3); short protein forms K1532T, K1539T.
Identifiers: ClinVar variation 4082840 (VCV004082840.4).
Genomic context (GRCh38, chr16:15,721,035, plus strand): 5'-TCCAGCTCTTCCAGCTGCGTCTTCATCTCCTCCATCTGGGTCTCCAGGGCCCGCTTGGAC[T>G]TCTCCAGCTCATGGACCTGCCGGCAGAGCGGGCAGCCCCATTCTATGAGGCTCAACTTCA-3'
Protein context (NP_002465.1, residues 1522-1542): DVGKNVHELE[Lys1532Thr]SKRALETQME

ClinVar aggregate classification (germline): Uncertain significance. Review status: criteria provided, multiple submitters, no conflicts (2 of 4 stars). 3 submissions from 3 submitters: Uncertain significance (3). Last evaluated 2025-10-24.

Conditions:
Familial thoracic aortic aneurysm and aortic dissection (TAAD). Also called: Thoracic aortic aneurysms and dissections. Identifiers: Orphanet 91387, MedGen C4707243, MONDO:0019625.
MYH11-related disorder. Also called: MYH11-related condition.

gnomAD v4.1: 1 of 1,613,904 alleles (0.000062%); highest among the groups gnomAD compares: African/African-American, 0.0013%; no homozygotes.

Submissions (3):

GeneDx
Classification: Uncertain significance. Last evaluated: 2025-10-24. Review status: criteria provided, single submitter. Criteria: GeneDx Variant Classification Process June 2021. Collection method: clinical testing. Allele origin: germline.
Comment: In silico analysis supports that this missense variant has a deleterious effect on protein structure/function; Not observed at significant frequency in large population cohorts (gnomAD); Has not been previously published as pathogenic or benign to our knowledge

PreventionGenetics, part of Exact Sciences
Classification: Uncertain significance for MYH11-related condition. Last evaluated: 2025-08-12. Review status: criteria provided, single submitter. Criteria: ACMG Guidelines, 2015. Collection method: clinical testing. Allele origin: germline.
Comment: The MYH11 c.4616A>C variant is predicted to result in the amino acid substitution p.Lys1539Thr. To our knowledge, this variant has not been reported in the literature. This variant is reported in 0.0080% of alleles in individuals of African descent in gnomAD. At this time, the clinical significance of this variant is uncertain due to the absence of conclusive functional and genetic evidence.

Ambry Genetics
Classification: Uncertain significance for Familial thoracic aortic aneurysm and aortic dissection. Last evaluated: 2025-07-30. Review status: criteria provided, single submitter. Criteria: Ambry Variant Classification Scheme 2023. Collection method: clinical testing. Allele origin: germline.
Comment: The p.K1532T variant (also known as c.4595A>C), located in coding exon 32 of the MYH11 gene, results from an A to C substitution at nucleotide position 4595. The lysine at codon 1532 is replaced by threonine, an amino acid with similar properties. This amino acid position is conserved. In addition, this alteration is predicted to be deleterious by in silico analysis. Based on the available evidence, the clinical significance of this variant remains unclear.